The following is an entry in ClinVar:

ClinVar aggregate classification (germline): Uncertain significance (1 of 4 stars; one submission).

gnomAD v4.1: 4 of 1,613,988 alleles (0.00025%); highest among the groups gnomAD compares: Non-Finnish European, 0.00034%; no homozygotes.

Submission:

GeneDx
Classification: Uncertain significance. Last evaluated: 2022-04-26. Review status: criteria provided, single submitter. Criteria: GeneDx Variant Classification Process June 2021. Collection method: clinical testing. Allele origin: germline. Affected: yes.
Comment: Has not been previously published as pathogenic or benign to our knowledge; Not observed at significant frequency in large population cohorts (gnomAD); In silico analysis supports a deleterious effect on splicing

NM_020988.3(GNAO1):c.723+4098C>A

Gene: GNAO1 (G protein subunit alpha o1; plus strand). Cytogenetic location: 16q13.
Variant type: single nucleotide variant.
Coding change: c.723+4098C>A on transcript NM_020988.3 (MANE Select); 4098 bases into the intron after coding-DNA position 723, C replaced by A.
Molecular consequence: intron variant. On other transcripts: missense variant (1).
Genome position (GRCh38, 1-based): chr16:56,340,958, C>A. VCF-style: chr16-56340958-C-A. GRCh37 (hg19) VCF-style: chr16-56374870-C-A.
Other names: c.848C>A, p.Pro283Gln (NM_138736.3); short protein forms P283Q.
Identifiers: ClinVar variation 1722771 (VCV001722771.2), dbSNP rs763864033, ClinGen allele CA395953301.
Genomic context (GRCh38, chr16:56,340,958, plus strand): 5'-CGTCCATCATCCTGTTTCTTAACAAGAAGGACATATTTGAAGAGAAGATCAAGAAGTCCC[C>A]GCTCACCATCTGCTTTCCTGAATATACAGGTAGAGACCCCTCCAGGGACAGCAGGCCCCC-3'